The following is an entry in ClinVar:

NM_000395.3(CSF2RB):c.812C>T (p.Ser271Leu)

Gene: CSF2RB (colony stimulating factor 2 receptor subunit beta; plus strand). Cytogenetic location: 22q12.3.
Variant type: single nucleotide variant.
Coding change: c.812C>T on transcript NM_000395.3 (MANE Select); coding-DNA position 812, C replaced by T.
Protein change: p.Ser271Leu; replaces serine 271 with leucine.
Molecular consequence: missense variant.
Genome position (GRCh38, 1-based): chr22:36,930,468, C>T. VCF-style: chr22-36930468-C-T. GRCh37 (hg19) VCF-style: chr22-37326510-C-T.
Other names: short protein forms S271L.
Identifiers: ClinVar variation 161978 (VCV000161978.8), dbSNP rs672601313, ClinGen allele CA174928.

ClinVar aggregate classification (germline): Uncertain significance. Review status: criteria provided, single submitter (1 of 4 stars). 2 submissions from 2 submitters: Uncertain significance (1). 1 of the submissions does not count toward it. Last evaluated 2021-04-29.

Conditions:
Surfactant metabolism dysfunction, pulmonary, 5 (SMDP5). Also called: PULMONARY ALVEOLAR PROTEINOSIS 5; PAP DUE TO CSF2RB DEFICIENCY; CSF2RB DEFICIENCY. Identifiers: Orphanet 264675, MedGen C3280574, MONDO:0013712, OMIM 614370.

Allele frequency attached by ClinVar (database versions not stated): gnomAD exomes below 0.00001; TOPMed below 0.00001; gnomAD 0.00001.
gnomAD v4.1: 8 of 1,613,588 alleles (0.0005%); highest among the groups gnomAD compares: Non-Finnish European, 0.00059%; no homozygotes.

Submissions (2):

Labcorp Genetics (formerly Invitae), Labcorp
Classification: Uncertain significance. Last evaluated: 2021-04-29. Review status: criteria provided, single submitter. Criteria: Invitae Variant Classification Sherloc (09022015). Collection method: clinical testing. Allele origin: germline.
Comment: In summary, the available evidence is currently insufficient to determine the role of this variant in disease. Therefore, it has been classified as a Variant of Uncertain Significance. Experimental studies have shown that this variant affects CSF2RB protein function (PMID: 21205713). This variant has been observed in individual(s) with pulmonary alveolar proteinosis (PMID: 21205713). ClinVar contains an entry for this variant (Variation ID: 161978). This variant is present in population databases (rs672601313, ExAC 0.003%). This sequence change replaces serine with leucine at codon 271 of the CSF2RB protein (p.Ser271Leu). The serine residue is highly conserved and there is a large physicochemical difference between serine and leucine.

OMIM
Classification: Pathogenic for SURFACTANT METABOLISM DYSFUNCTION, PULMONARY, 5. Last evaluated: 2011-01-01. Review status: no assertion criteria provided. Collection method: literature only. Allele origin: germline. Not counted in ClinVar's aggregate classification.

Literature cited by the submitters: PubMed 21205713 (cited by Labcorp Genetics (formerly Invitae), Labcorp and OMIM).